The following is an entry in ClinVar:

NM_000257.4(MYH7):c.2224G>C (p.Ala742Pro)

Gene: MYH7 (myosin heavy chain 7; minus strand). Cytogenetic location: 14q11.2.
Variant type: single nucleotide variant.
Coding change: c.2224G>C on transcript NM_000257.4 (MANE Select); coding-DNA position 2224, G replaced by C.
Protein change: p.Ala742Pro; replaces alanine 742 with proline.
Molecular consequence: missense variant.
Genome position (GRCh38, 1-based): chr14:23,425,757, C>G on the plus strand (G>C on the coding strand, the complement: MYH7 is on the minus strand). VCF-style: chr14-23425757-C-G. GRCh37 (hg19) VCF-style: chr14-23894966-C-G.
Other names: short protein forms A742P.
Identifiers: ClinVar variation 1024345 (VCV001024345.8), dbSNP rs769396106, ClinGen allele CA389048879.

ClinVar aggregate classification (germline): Uncertain significance (1 of 4 stars; one submission).

Conditions:
Hypertrophic cardiomyopathy. Also called: HYPERTROPHIC MYOCARDIOPATHY. Identifiers: Orphanet 217569, MedGen C0007194, MeSH D002312, MONDO:0005045, HP:0001639.

Submission:

Labcorp Genetics (formerly Invitae), Labcorp
Classification: Uncertain significance for Hypertrophic cardiomyopathy. Last evaluated: 2025-09-01. Review status: criteria provided, single submitter. Criteria: Invitae Variant Classification Sherloc (09022015). Collection method: clinical testing. Allele origin: germline.
Comment: This sequence change replaces alanine, which is neutral and non-polar, with proline, which is neutral and non-polar, at codon 742 of the MYH7 protein (p.Ala742Pro). This variant is not present in population databases (gnomAD no frequency). This variant has not been reported in the literature in individuals affected with MYH7-related conditions. ClinVar contains an entry for this variant (Variation ID: 1024345). Invitae Evidence Modeling of protein sequence and biophysical properties (such as structural, functional, and spatial information, amino acid conservation, physicochemical variation, residue mobility, and thermodynamic stability) indicates that this missense variant is expected to disrupt MYH7 protein function with a positive predictive value of 95%. In summary, the available evidence is currently insufficient to determine the role of this variant in disease. Therefore, it has been classified as a Variant of Uncertain Significance.